The following is an entry in ClinVar:

ClinVar aggregate classification (germline): Uncertain significance (1 of 4 stars; one submission).

Conditions:
Hereditary cancer-predisposing syndrome. Also called: Neoplastic Syndromes, Hereditary; Tumor predisposition; Hereditary Cancer Syndrome; Hereditary neoplastic syndrome. Identifiers: Orphanet 140162, MedGen C0027672, MeSH D009386, MONDO:0015356.

Submission:

Ambry Genetics
Classification: Uncertain significance for Hereditary cancer-predisposing syndrome. Last evaluated: 2024-12-03. Review status: criteria provided, single submitter. Criteria: Ambry Variant Classification Scheme 2023. Collection method: clinical testing. Allele origin: germline.
Comment: The p.T687S variant (also known as c.2059A>T), located in coding exon 20 of the RB1 gene, results from an A to T substitution at nucleotide position 2059. The threonine at codon 687 is replaced by serine, an amino acid with similar properties. This amino acid position is highly conserved in available vertebrate species. In addition, the in silico prediction for this alteration is inconclusive. Based on the available evidence, the clinical significance of this variant remains unclear.

NM_000321.3(RB1):c.2059A>T (p.Thr687Ser)

Gene: RB1 (RB transcriptional corepressor 1; plus strand). Cytogenetic location: 13q14.2.
Variant type: single nucleotide variant.
Coding change: c.2059A>T on transcript NM_000321.3 (MANE Select); coding-DNA position 2059, A replaced by T.
Protein change: p.Thr687Ser; replaces threonine 687 with serine.
Molecular consequence: missense variant.
Genome position (GRCh38, 1-based): chr13:48,459,786, A>T. VCF-style: chr13-48459786-A-T. GRCh37 (hg19) VCF-style: chr13-49033922-A-T.
Other names: c.2059A>T, p.Thr687Ser (NM_001407165.1); short protein forms T687S.
Identifiers: ClinVar variation 3430927 (VCV003430927.1).
Genomic context (GRCh38, chr13:48,459,786, plus strand): 5'-GAACGCCTTCTGTCTGAGCACCCAGAATTAGAACATATCATCTGGACCCTTTTCCAGCAC[A>T]CCCTGCAGAATGAGTATGAACTCATGAGAGACAGGCATTTGGACCAAGTAAGAAAATCAA-3'
Protein context (NP_000312.2, residues 677-697): EHIIWTLFQH[Thr687Ser]LQNEYELMRD